The following is an entry in ClinVar:

ClinVar aggregate classification (germline): Benign/Likely benign. Review status: criteria provided, multiple submitters, no conflicts (2 of 4 stars). 3 submissions from 3 submitters: Benign (1); Likely benign (2). Last evaluated 2026-06-23.

Conditions:
Retinoblastoma (RB1). Also called: RETINOBLASTOMA, SOMATIC. Identifiers: Orphanet 790, MedGen C0035335, MeSH D012175, MONDO:0008380, OMIM 180200, HP:0009919. Disease mechanism: loss of function. Inheritance: Both sporadic and heritable forms are tested..

Submissions (3):

Myriad Genetics, Inc.
Classification: Benign for Retinoblastoma. Last evaluated: 2026-06-23. Review status: criteria provided, single submitter. Criteria: Myriad Autosomal Dominant, Autosomal Recessive and X-Linked Classification Criteria (2023). Collection method: clinical testing. Allele origin: unknown.
Comment: This variant is considered benign. This variant is a silent/synonymous amino acid change and it is not expected to impact splicing.

All of Us Research Program, National Institutes of Health
Classification: Likely benign for Retinoblastoma. Last evaluated: 2024-04-25. Review status: criteria provided, single submitter. Criteria: ACMG Guidelines, 2015. Collection method: clinical testing. Allele origin: germline. Inheritance: Autosomal dominant inheritance. Observed: 1 variant allele, 1 heterozygote.
Comment: This study involves interpretation of variants in research participants for the purpose of population health screening. Participant phenotype was not available at the time of variant classification. Additional details can be found in publication PMID: 35346344, PMCID: PMC8962531

Labcorp Genetics (formerly Invitae), Labcorp
Classification: Likely benign for Retinoblastoma. Last evaluated: 2024-02-23. Review status: criteria provided, single submitter. Criteria: Invitae Variant Classification Sherloc (09022015). Collection method: clinical testing. Allele origin: germline.

NM_000321.3(RB1):c.318A>G (p.Ala106=)

Gene: RB1 (RB transcriptional corepressor 1; plus strand). Cytogenetic location: 13q14.2.
Variant type: single nucleotide variant.
Coding change: c.318A>G on transcript NM_000321.3 (MANE Select); coding-DNA position 318, A replaced by G.
Protein change: p.Ala106=; no amino-acid change (alanine 106 retained).
Molecular consequence: synonymous variant.
Genome position (GRCh38, 1-based): chr13:48,342,652, A>G. VCF-style: chr13-48342652-A-G. GRCh37 (hg19) VCF-style: chr13-48916788-A-G.
Other names: c.318A>G, p.Ala106= (NM_001407165.1, NM_001407166.1).
Identifiers: ClinVar variation 3387555 (VCV003387555.4).